The following is an entry in ClinVar:

NM_017636.4(TRPM4):c.2851del (p.Leu951fs)

Gene: TRPM4 (transient receptor potential cation channel subfamily M member 4; plus strand). Cytogenetic location: 19q13.33.
Variant type: Deletion.
Coding change: c.2851del on transcript NM_017636.4 (MANE Select); coding-DNA position 2851, one base deleted (C; older notation c.2851delC).
Protein change: p.Leu951fs; shifts the reading frame from leucine 951.
Molecular consequence: frameshift variant.
Genome position (GRCh38, 1-based): chr19:49,200,683, C deleted. VCF-style (leftmost placement, unchanged base first): chr19-49200682-GC-G. GRCh37 (hg19) VCF-style: chr19-49703939-GC-G.
Other names: c.2416del, p.Leu806fs (NM_001195227.2); c.2506del, p.Leu836fs (NM_001321281.2); c.1243del, p.Leu415fs (NM_001321282.2); c.2329del, p.Leu777fs (NM_001321283.2); c.1789del, p.Leu597fs (NM_001321285.2); short protein forms L951fs, L777fs, L415fs, L597fs, L806fs, L836fs.
Identifiers: ClinVar variation 3704856 (VCV003704856.2).

ClinVar aggregate classification (germline): Uncertain significance (1 of 4 stars; one submission).

Conditions:
Progressive familial heart block type IB (PFHB1B). Identifiers: Orphanet 871, MedGen C1970298, MONDO:0011474, OMIM 604559.

Submission:

Labcorp Genetics (formerly Invitae), Labcorp
Classification: Uncertain significance for Progressive familial heart block type IB. Last evaluated: 2025-05-15. Review status: criteria provided, single submitter. Criteria: Invitae Variant Classification Sherloc (09022015). Collection method: clinical testing. Allele origin: germline.
Comment: This sequence change creates a premature translational stop signal (p.Leu951Serfs*2) in the TRPM4 gene. It is expected to result in an absent or disrupted protein product. However, the current clinical and genetic evidence is not sufficient to establish whether loss-of-function variants in TRPM4 cause disease. This variant is present in population databases (no rsID available, gnomAD 0.01%). This variant has not been reported in the literature in individuals affected with TRPM4-related conditions. ClinVar contains an entry for this variant (Variation ID: 3704856). In summary, the available evidence is currently insufficient to determine the role of this variant in disease. Therefore, it has been classified as a Variant of Uncertain Significance.